The following is an entry in ClinVar:

ClinVar aggregate classification (germline): Uncertain significance (1 of 4 stars; one submission).

gnomAD v4.1: 33 of 1,614,160 alleles (0.002%); highest among the groups gnomAD compares: South Asian, 0.034%; 2 homozygotes.

Submission:

Labcorp Genetics (formerly Invitae), Labcorp
Classification: Uncertain significance. Last evaluated: 2024-06-29. Review status: criteria provided, single submitter. Criteria: Invitae Variant Classification Sherloc (09022015). Collection method: clinical testing. Allele origin: germline.
Comment: This sequence change replaces aspartic acid, which is acidic and polar, with histidine, which is basic and polar, at codon 1204 of the KMT2E protein (p.Asp1204His). This variant is present in population databases (rs775045007, gnomAD 0.03%). This variant has not been reported in the literature in individuals affected with KMT2E-related conditions. Advanced modeling of protein sequence and biophysical properties (such as structural, functional, and spatial information, amino acid conservation, physicochemical variation, residue mobility, and thermodynamic stability) performed at Invitae indicates that this missense variant is not expected to disrupt KMT2E protein function with a negative predictive value of 80%. In summary, the available evidence is currently insufficient to determine the role of this variant in disease. Therefore, it has been classified as a Variant of Uncertain Significance.

NM_182931.3(KMT2E):c.3610G>C (p.Asp1204His)

Gene: KMT2E (lysine methyltransferase 2E (inactive); plus strand). Cytogenetic location: 7q22.3.
Variant type: single nucleotide variant.
Coding change: c.3610G>C on transcript NM_182931.3 (MANE Select); coding-DNA position 3610, G replaced by C.
Protein change: p.Asp1204His; replaces aspartic acid 1204 with histidine.
Molecular consequence: missense variant.
Genome position (GRCh38, 1-based): chr7:105,109,083, G>C. VCF-style: chr7-105109083-G-C. GRCh37 (hg19) VCF-style: chr7-104749530-G-C.
Other names: c.3610G>C, p.Asp1204His (NM_018682.4, NM_001410908.1); short protein forms D1204H.
Identifiers: ClinVar variation 3604429 (VCV003604429.2).